The following is an entry in ClinVar:

NM_001377540.1(SLMAP):c.1904G>A (p.Arg635Gln)

Gene: SLMAP (sarcolemma associated protein; plus strand). Cytogenetic location: 3p14.3.
Variant type: single nucleotide variant.
Coding change: c.1904G>A on transcript NM_001377540.1 (MANE Select); coding-DNA position 1904, G replaced by A.
Protein change: p.Arg635Gln; replaces arginine 635 with glutamine.
Molecular consequence: missense variant. On other transcripts: non-coding transcript variant (1).
Genome position (GRCh38, 1-based): chr3:57,912,585, G>A. VCF-style: chr3-57912585-G-A. GRCh37 (hg19) VCF-style: chr3-57898312-G-A.
Other names: c.1853G>A, p.Arg618Gln (NM_001304420.3, NM_001377541.1, NM_001377542.1); c.1739G>A, p.Arg580Gln (NM_001304421.2, NM_001377557.1, NM_001377559.1); c.455G>A, p.Arg152Gln (NM_001304422.3, NM_001311178.2); c.257G>A, p.Arg86Gln (NM_001304423.3); c.332G>A, p.Arg111Gln (NM_001311179.2, NM_001377926.1, NM_001377927.1 and 1 more transcripts); c.1925G>A, p.Arg642Gln (NM_001377538.1); c.1904G>A, p.Arg635Gln (NM_001377539.1); c.1841G>A, p.Arg614Gln (NM_001377545.1); and 8 more; short protein forms R111Q, R573Q, R618Q, R556Q, R152Q, R560Q, R580Q, R601Q.
Identifiers: ClinVar variation 1440935 (VCV001440935.9), dbSNP rs139032332, ClinGen allele CA2467252.
Genomic context (GRCh38, chr3:57,912,585, plus strand): 5'-GGGACACTGACATTGCTTCTTTACAAGAAGAGCTTAAGAAGGTGAGAGCTGAGCTTGAGC[G>A]GTGGCGGAAAGCAGCGTCTGAATATGAGAAAGAAATCACAAGTCTGCAAAACAGTTTTCA-3'
Protein context (NP_001364469.1, residues 625-645): ELKKVRAELE[Arg635Gln]WRKAASEYEK

ClinVar aggregate classification (germline): Uncertain significance. Review status: criteria provided, multiple submitters, no conflicts (2 of 4 stars). 2 submissions from 2 submitters: Uncertain significance (2). Last evaluated 2024-07-06.

Conditions:
Brugada syndrome. Also called: Sudden unexpected nocturnal death syndrome; Sudden unexplained nocturnal death syndrome; Sudden Unexplained Death Syndrome; Sudden Unexplained Nocturnal Death Syndrome (SUNDS). Identifiers: Orphanet 130, MedGen C1142166, MONDO:0015263.

Allele frequency attached by ClinVar (database versions not stated): ExAC 0.00002; gnomAD exomes 0.00002; TOPMed 0.00003; gnomAD 0.00006; ESP Exome Variant Server 0.00008.
gnomAD v4.1: 27 of 1,613,996 alleles (0.0017%); highest among the groups gnomAD compares: African/African-American, 0.029%; no homozygotes.

Submissions (2):

Labcorp Genetics (formerly Invitae), Labcorp
Classification: Uncertain significance for Brugada syndrome. Last evaluated: 2024-07-06. Review status: criteria provided, single submitter. Criteria: Invitae Variant Classification Sherloc (09022015). Collection method: clinical testing. Allele origin: germline.
Comment: This sequence change replaces arginine, which is basic and polar, with glutamine, which is neutral and polar, at codon 601 of the SLMAP protein (p.Arg601Gln). This variant is present in population databases (rs139032332, gnomAD 0.02%). This variant has not been reported in the literature in individuals affected with SLMAP-related conditions. ClinVar contains an entry for this variant (Variation ID: 1440935). An algorithm developed to predict the effect of missense changes on protein structure and function (PolyPhen-2) suggests that this variant is likely to be tolerated. In summary, the available evidence is currently insufficient to determine the role of this variant in disease. Therefore, it has been classified as a Variant of Uncertain Significance.

Ambry Genetics
Classification: Uncertain significance. Last evaluated: 2024-05-26. Review status: criteria provided, single submitter. Criteria: Ambry Variant Classification Scheme 2023. Collection method: clinical testing. Allele origin: germline.
Comment: The p.R601Q variant (also known as c.1802G>A), located in coding exon 17 of the SLMAP gene, results from a G to A substitution at nucleotide position 1802. The arginine at codon 601 is replaced by glutamine, an amino acid with highly similar properties. This amino acid position is conserved. In addition, this alteration is predicted to be tolerated by in silico analysis. Since supporting evidence is limited at this time, the clinical significance of this alteration remains unclear.